The following is an entry in ClinVar:

ClinVar aggregate classification (germline): Uncertain significance (1 of 4 stars; one submission).

Conditions:
Dystonic disorder. Also called: Dystonia. Identifiers: MedGen C0013421, MONDO:0003441, HP:0001332.

gnomAD v4.1: 2 of 1,613,438 alleles (0.00012%); no homozygotes.

Submission:

Labcorp Genetics (formerly Invitae), Labcorp
Classification: Uncertain significance for Dystonic disorder. Last evaluated: 2023-05-08. Review status: criteria provided, single submitter. Criteria: Invitae Variant Classification Sherloc (09022015). Collection method: clinical testing. Allele origin: germline.
Comment: This sequence change affects a donor splice site in intron 3 of the TOR1A gene. It is expected to disrupt RNA splicing. Variants that disrupt the donor or acceptor splice site typically lead to a loss of protein function (PMID: 16199547), however the current clinical and genetic evidence is not sufficient to establish whether loss-of-function variants in TOR1A cause disease. This variant is not present in population databases (gnomAD no frequency). This variant has not been reported in the literature in individuals affected with TOR1A-related conditions. Algorithms developed to predict the effect of sequence changes on RNA splicing suggest that this variant may disrupt the consensus splice site. In summary, the available evidence is currently insufficient to determine the role of this variant in disease. Therefore, it has been classified as a Variant of Uncertain Significance.

Literature cited by the submitters: PubMed 16199547.

NM_000113.3(TOR1A):c.620+1G>A

Gene: TOR1A (torsin family 1 member A; minus strand). Cytogenetic location: 9q34.11.
Variant type: single nucleotide variant.
Coding change: c.620+1G>A on transcript NM_000113.3 (MANE Select); the canonical splice donor site of the intron after coding-DNA position 620, G replaced by A.
Molecular consequence: splice donor variant.
Genome position (GRCh38, 1-based): chr9:129,818,744, C>T on the plus strand (G>A on the coding strand, the complement: TOR1A is on the minus strand). VCF-style: chr9-129818744-C-T. GRCh37 (hg19) VCF-style: chr9-132581023-C-T.
Identifiers: ClinVar variation 2728893 (VCV002728893.3), dbSNP rs2490563544, ClinGen allele CA375199019.